The following is an entry in ClinVar:

ClinVar aggregate classification (germline): Uncertain significance. Review status: criteria provided, multiple submitters, no conflicts (2 of 4 stars). 2 submissions from 2 submitters: Uncertain significance (2). Last evaluated 2024-11-27.

Conditions:
Hereditary cancer-predisposing syndrome. Also called: Neoplastic Syndromes, Hereditary; Hereditary Cancer Syndrome; Tumor predisposition; Hereditary neoplastic syndrome. Identifiers: Orphanet 140162, MedGen C0027672, MeSH D009386, MONDO:0015356.

Submissions (2):

Labcorp Genetics (formerly Invitae), Labcorp
Classification: Uncertain significance. Last evaluated: 2024-11-27. Review status: criteria provided, single submitter. Criteria: Invitae Variant Classification Sherloc (09022015). Collection method: clinical testing. Allele origin: germline.
Comment: This sequence change replaces cysteine, which is neutral and slightly polar, with arginine, which is basic and polar, at codon 651 of the POLE protein (p.Cys651Arg). This variant is not present in population databases (gnomAD no frequency). This variant has not been reported in the literature in individuals affected with POLE-related conditions. ClinVar contains an entry for this variant (Variation ID: 853941). Invitae Evidence Modeling of protein sequence and biophysical properties (such as structural, functional, and spatial information, amino acid conservation, physicochemical variation, residue mobility, and thermodynamic stability) indicates that this missense variant is expected to disrupt POLE protein function with a positive predictive value of 80%. In summary, the available evidence is currently insufficient to determine the role of this variant in disease. Therefore, it has been classified as a Variant of Uncertain Significance.

Ambry Genetics
Classification: Uncertain significance for Hereditary cancer-predisposing syndrome. Last evaluated: 2023-04-07. Review status: criteria provided, single submitter. Criteria: Ambry Variant Classification Scheme 2023. Collection method: clinical testing. Allele origin: germline.
Comment: The p.C651R variant (also known as c.1951T>C), located in coding exon 18 of the POLE gene, results from a T to C substitution at nucleotide position 1951. The cysteine at codon 651 is replaced by arginine, an amino acid with highly dissimilar properties. This amino acid position is conserved. In addition, this alteration is predicted to be deleterious by in silico analysis. Since supporting evidence is limited at this time, the clinical significance of this alteration remains unclear.

NM_006231.4(POLE):c.1951T>C (p.Cys651Arg)

Gene: POLE (DNA polymerase epsilon, catalytic subunit; minus strand). Cytogenetic location: 12q24.33.
Variant type: single nucleotide variant.
Coding change: c.1951T>C on transcript NM_006231.4 (MANE Select); coding-DNA position 1951, T replaced by C.
Protein change: p.Cys651Arg; replaces cysteine 651 with arginine.
Molecular consequence: missense variant.
Genome position (GRCh38, 1-based): chr12:132,668,710, A>G on the plus strand (T>C on the coding strand, the complement: POLE is on the minus strand). VCF-style: chr12-132668710-A-G. GRCh37 (hg19) VCF-style: chr12-133245296-A-G.
Other names: c.1951T>C (NM_006231.2); short protein forms C651R.
Identifiers: ClinVar variation 853941 (VCV000853941.11), dbSNP rs2042854557, ClinGen allele CA387355154.
Genomic context (GRCh38, chr12:132,668,710, plus strand): 5'-ACTGCCAGGCCATCTTCCGCTGGCAGTTTGCTCCAGGCTTATTGAAGTCACAGGCAGCAC[A>G]GGTGGCTTCGTCCACCATGGCAGAGGGCTGGGAGGGGTGAGAAAGCACTTAGGGCTGGGC-3'
Protein context (NP_006222.2, residues 641-661): QPSAMVDEAT[Cys651Arg]AACDFNKPGA